The following is an entry in ClinVar:

NM_018117.12(WDR11):c.2306T>G (p.Met769Arg)

Gene: WDR11 (WD repeat domain 11; plus strand). Cytogenetic location: 10q26.12.
Variant type: single nucleotide variant.
Coding change: c.2306T>G on transcript NM_018117.12 (MANE Select); coding-DNA position 2306, T replaced by G.
Protein change: p.Met769Arg; replaces methionine 769 with arginine.
Molecular consequence: missense variant.
Genome position (GRCh38, 1-based): chr10:120,889,972, T>G. VCF-style: chr10-120889972-T-G. GRCh37 (hg19) VCF-style: chr10-122649484-T-G.
Other names: short protein forms M769R.
Identifiers: ClinVar variation 2962446 (VCV002962446.3), dbSNP rs747083795, ClinGen allele CA5719987.

ClinVar aggregate classification (germline): Uncertain significance (1 of 4 stars; one submission).

Allele frequency attached by ClinVar (database versions not stated): gnomAD 0.00001; TOPMed 0.00001; ExAC 0.00002.
gnomAD v4.1: 13 of 1,613,794 alleles (0.00081%); highest among the groups gnomAD compares: Admixed American, 0.018%; no homozygotes.

Submission:

Labcorp Genetics (formerly Invitae), Labcorp
Classification: Uncertain significance. Last evaluated: 2025-06-12. Review status: criteria provided, single submitter. Criteria: Invitae Variant Classification Sherloc (09022015). Collection method: clinical testing. Allele origin: germline.
Comment: This sequence change replaces methionine, which is neutral and non-polar, with arginine, which is basic and polar, at codon 769 of the WDR11 protein (p.Met769Arg). This variant is present in population databases (rs747083795, gnomAD 0.03%). This variant has not been reported in the literature in individuals affected with WDR11-related conditions. ClinVar contains an entry for this variant (Variation ID: 2962446). An algorithm developed to predict the effect of missense changes on protein structure and function (PolyPhen-2) suggests that this variant is likely to be tolerated. Algorithms developed to predict the effect of sequence changes on RNA splicing suggest that this variant may create or strengthen a splice site. In summary, the available evidence is currently insufficient to determine the role of this variant in disease. Therefore, it has been classified as a Variant of Uncertain Significance.